The following is an entry in ClinVar:

ClinVar aggregate classification (germline): Pathogenic/Likely pathogenic. Review status: criteria provided, multiple submitters, no conflicts (2 of 4 stars). 3 submissions from 3 submitters: Pathogenic (1); Likely pathogenic (2). Last evaluated 2022-08-10.

Conditions:
Bardet-Biedl syndrome (BBS). Identifiers: Orphanet 110, MedGen C0752166, MONDO:0015229.
Bardet-Biedl syndrome 2 (BBS2). Identifiers: Orphanet 110, MedGen C2936863, MONDO:0014432, OMIM 615981.

Submissions (3):

Labcorp Genetics (formerly Invitae), Labcorp
Classification: Pathogenic for Bardet-Biedl syndrome. Last evaluated: 2022-08-10. Review status: criteria provided, single submitter. Criteria: Invitae Variant Classification Sherloc (09022015). Collection method: clinical testing. Allele origin: germline.
Comment: For these reasons, this variant has been classified as Pathogenic. ClinVar contains an entry for this variant (Variation ID: 984325). This variant has not been reported in the literature in individuals affected with BBS2-related conditions. This variant is not present in population databases (gnomAD no frequency). This sequence change creates a premature translational stop signal (p.Leu166*) in the BBS2 gene. It is expected to result in an absent or disrupted protein product. Loss-of-function variants in BBS2 are known to be pathogenic (PMID: 11285252, 20177705, 24608809, 26518167).

Baylor Genetics
Classification: Likely pathogenic for Bardet-Biedl syndrome 2. Last evaluated: 2022-08-01. Review status: criteria provided, single submitter. Criteria: ACMG Guidelines, 2015. Collection method: clinical testing. Allele origin: unknown.

Myriad Genetics, Inc.
Classification: Likely pathogenic for Bardet-Biedl syndrome 2. Last evaluated: 2019-12-22. Review status: criteria provided, single submitter. Criteria: Myriad Women's Health Autosomal Recessive and X-Linked Classification Criteria (2019). Collection method: clinical testing. Allele origin: unknown.
Comment: NM_031885.3(BBS2):c.497T>A(L166*) is expected to be pathogenic in the context of Bardet-Biedl syndrome, BBS2-related. This variant is predicted to lead to an abnormal or absent protein product due to the creation of a premature termination codon in BBS2, a gene where loss-of-function variants are known to be pathogenic. Please note: this variant was assessed in the context of healthy population screening.

Literature cited by the submitters: PubMed 11285252 (cited by Labcorp Genetics (formerly Invitae), Labcorp); PubMed 20177705 (cited by Labcorp Genetics (formerly Invitae), Labcorp); PubMed 24608809 (cited by Labcorp Genetics (formerly Invitae), Labcorp); PubMed 26518167 (cited by Labcorp Genetics (formerly Invitae), Labcorp).

NM_031885.5(BBS2):c.497T>A (p.Leu166Ter)

Gene: BBS2 (Bardet-Biedl syndrome 2; minus strand). Cytogenetic location: 16q13.
Variant type: single nucleotide variant.
Coding change: c.497T>A on transcript NM_031885.5 (MANE Select); coding-DNA position 497, T replaced by A.
Protein change: p.Leu166Ter; replaces leucine 166 with a stop codon.
Molecular consequence: nonsense. On other transcripts: non-coding transcript variant (5).
Genome position (GRCh38, 1-based): chr16:56,510,896, A>T on the plus strand (T>A on the coding strand, the complement: BBS2 is on the minus strand). VCF-style: chr16-56510896-A-T. GRCh37 (hg19) VCF-style: chr16-56544808-A-T.
Other names: c.497T>A, p.Leu166Ter (NM_001377456.1); short protein forms L166*.
Identifiers: ClinVar variation 984325 (VCV000984325.8), dbSNP rs1964558577, ClinGen allele CA395984228.